The following is an entry in ClinVar:

ClinVar aggregate classification (germline): Uncertain significance (1 of 4 stars; one submission).

Conditions:
Amyotrophic lateral sclerosis type 21. Also called: MYOPATHY, DISTAL, 2; VOCAL CORD AND PHARYNGEAL DYSFUNCTION WITH DISTAL MYOPATHY. Identifiers: Orphanet 600, Orphanet 803, MedGen C3807521, MONDO:0011632, OMIM 606070.

Allele frequency attached by ClinVar (database versions not stated): ExAC 0.00001; gnomAD exomes 0.00001.
gnomAD v4.1: 14 of 1,614,126 alleles (0.00087%); highest among the groups gnomAD compares: Non-Finnish European, 0.00059%; no homozygotes.

Submission:

Labcorp Genetics (formerly Invitae), Labcorp
Classification: Uncertain significance for Amyotrophic lateral sclerosis type 21. Last evaluated: 2020-11-06. Review status: criteria provided, single submitter. Criteria: Invitae Variant Classification Sherloc (09022015). Collection method: clinical testing. Allele origin: germline.
Comment: In summary, the available evidence is currently insufficient to determine the role of this variant in disease. Therefore, it has been classified as a Variant of Uncertain Significance. Algorithms developed to predict the effect of missense changes on protein structure and function (SIFT, PolyPhen-2, Align-GVGD) all suggest that this variant is likely to be tolerated, but these predictions have not been confirmed by published functional studies and their clinical significance is uncertain. This variant has not been reported in the literature in individuals with MATR3-related conditions. This variant is present in population databases (rs765718462, ExAC 0.02%). This sequence change replaces isoleucine with valine at codon 278 of the MATR3 protein (p.Ile278Val). The isoleucine residue is moderately conserved and there is a small physicochemical difference between isoleucine and valine.

NM_018834.6(MATR3):c.832A>G (p.Ile278Val)

Gene: MATR3 (matrin 3; plus strand). Cytogenetic location: 5q31.2.
Variant type: single nucleotide variant.
Coding change: c.832A>G on transcript NM_018834.6 (MANE Select); coding-DNA position 832, A replaced by G.
Protein change: p.Ile278Val; replaces isoleucine 278 with valine.
Molecular consequence: missense variant. On other transcripts: intron variant (2).
Genome position (GRCh38, 1-based): chr5:139,308,247, A>G. VCF-style: chr5-139308247-A-G. GRCh37 (hg19) VCF-style: chr5-138643936-A-G.
Other names: c.832A>G, p.Ile278Val (NM_001194954.2, NM_001194955.2, NM_199189.3); c.-102-6428A>G (NM_001282278.2); c.49-6428A>G (NM_001194956.2); short protein forms I278V.
Identifiers: ClinVar variation 1392445 (VCV001392445.8), dbSNP rs765718462, ClinGen allele CA3432951.